The following is an entry in ClinVar:

ClinVar aggregate classification (germline): Uncertain significance. Review status: criteria provided, multiple submitters, no conflicts (2 of 4 stars). 2 submissions from 2 submitters: Uncertain significance (2). Last evaluated 2023-06-06.

gnomAD v4.1: 3 of 1,612,896 alleles (0.00019%); highest among the groups gnomAD compares: Non-Finnish European, 0.00017%; no homozygotes.

Submissions (2):

GeneDx
Classification: Uncertain significance. Last evaluated: 2023-06-06. Review status: criteria provided, single submitter. Criteria: GeneDx Variant Classification Process June 2021. Collection method: clinical testing. Allele origin: germline. Affected: yes.
Comment: Not observed at significant frequency in large population cohorts (gnomAD); In silico analysis supports that this missense variant does not alter protein structure/function; Has not been previously published as pathogenic or benign to our knowledge

Blueprint Genetics
Classification: Uncertain significance. Last evaluated: 2019-01-18. Review status: criteria provided, single submitter. Criteria: ACMG Guidelines, 2015. Collection method: clinical testing. Allele origin: germline.

NM_080680.3(COL11A2):c.2356C>G (p.Pro786Ala)

Gene: COL11A2 (collagen type XI alpha 2 chain; minus strand). Cytogenetic location: 6p21.32.
Variant type: single nucleotide variant.
Coding change: c.2356C>G on transcript NM_080680.3 (MANE Select); coding-DNA position 2356, C replaced by G.
Protein change: p.Pro786Ala; replaces proline 786 with alanine.
Molecular consequence: missense variant.
Genome position (GRCh38, 1-based): chr6:33,175,594, G>C on the plus strand (C>G on the coding strand, the complement: COL11A2 is on the minus strand). VCF-style: chr6-33175594-G-C. GRCh37 (hg19) VCF-style: chr6-33143371-G-C.
Other names: c.2035C>G, p.Pro679Ala (NM_080679.3); c.2098C>G, p.Pro700Ala (NM_080681.3); short protein forms P679A, P700A, P786A.
Identifiers: ClinVar variation 2504905 (VCV002504905.2), dbSNP rs997884133, ClinGen allele CA363646553.